The following is an entry in ClinVar:

ClinVar aggregate classification (germline): Likely benign (0 of 4 stars; one submission).

Conditions:
PLXNA3-related disorder. Also called: PLXNA3-related condition.

Allele frequency attached by ClinVar (database versions not stated): TOPMed below 0.00001; ExAC 0.00001; gnomAD exomes 0.00004.
gnomAD v4.1: 38 of 1,209,170 alleles (0.0031%); highest among the groups gnomAD compares: South Asian, 0.0053%; no homozygotes.

Submission:

PreventionGenetics, part of Exact Sciences
Classification: Likely benign for PLXNA3-related condition. Last evaluated: 2022-12-13. Review status: no assertion criteria provided. Collection method: clinical testing. Allele origin: germline.
Comment: This variant is classified as likely benign based on ACMG/AMP sequence variant interpretation guidelines (Richards et al. 2015 PMID: 25741868, with internal and published modifications).

NM_017514.5(PLXNA3):c.2760C>T (p.Ala920=)

Gene: PLXNA3 (plexin A3; plus strand). Cytogenetic location: Xq28.
Variant type: single nucleotide variant.
Coding change: c.2760C>T on transcript NM_017514.5 (MANE Select); coding-DNA position 2760, C replaced by T.
Protein change: p.Ala920=; no amino-acid change (alanine 920 retained).
Molecular consequence: synonymous variant.
Genome position (GRCh38, 1-based): chrX:154,466,231, C>T. VCF-style: chrX-154466231-C-T. GRCh37 (hg19) VCF-style: chrX-153694574-C-T.
Identifiers: ClinVar variation 3031498 (VCV003031498.2), dbSNP rs782226260, ClinGen allele CA10564468.